The following is an entry in ClinVar:

ClinVar aggregate classification (germline): Uncertain significance (1 of 4 stars; one submission).

Conditions:
Alstrom syndrome (ALMS). Identifiers: Orphanet 64, MedGen C0268425, MONDO:0008763, OMIM 203800.

Submission:

Labcorp Genetics (formerly Invitae), Labcorp
Classification: Uncertain significance for Alstrom syndrome. Last evaluated: 2022-07-12. Review status: criteria provided, single submitter. Criteria: Invitae Variant Classification Sherloc (09022015). Collection method: clinical testing. Allele origin: germline.
Comment: Experimental studies and prediction algorithms are not available or were not evaluated, and the functional significance of this variant is currently unknown. ClinVar contains an entry for this variant (Variation ID: 1472614). This variant has not been reported in the literature in individuals affected with ALMS1-related conditions. This variant is not present in population databases (gnomAD no frequency). This sequence change replaces phenylalanine, which is neutral and non-polar, with leucine, which is neutral and non-polar, at codon 1574 of the ALMS1 protein (p.Phe1574Leu). In summary, the available evidence is currently insufficient to determine the role of this variant in disease. Therefore, it has been classified as a Variant of Uncertain Significance.

NM_001378454.1(ALMS1):c.4717T>C (p.Phe1573Leu)

Gene: ALMS1 (ALMS1 centrosome and basal body associated protein; plus strand). Cytogenetic location: 2p13.1.
Variant type: single nucleotide variant.
Coding change: c.4717T>C on transcript NM_001378454.1 (MANE Select); coding-DNA position 4717, T replaced by C.
Protein change: p.Phe1573Leu; replaces phenylalanine 1573 with leucine.
Molecular consequence: missense variant.
Genome position (GRCh38, 1-based): chr2:73,451,244, T>C. VCF-style: chr2-73451244-T-C. GRCh37 (hg19) VCF-style: chr2-73678371-T-C.
Other names: c.4720T>C, p.Phe1574Leu (NM_015120.4); short protein forms F1574L, F1573L.
Identifiers: ClinVar variation 1472614 (VCV001472614.6), dbSNP rs2103783780, ClinGen allele CA347279112.